The following is an entry in ClinVar:

NM_003628.6(PKP4):c.1192G>C (p.Gly398Arg)

Gene: PKP4 (plakophilin 4; plus strand). Cytogenetic location: 2q24.1.
Variant type: single nucleotide variant.
Coding change: c.1192G>C on transcript NM_003628.6 (MANE Select); coding-DNA position 1192, G replaced by C.
Protein change: p.Gly398Arg; replaces glycine 398 with arginine.
Molecular consequence: missense variant.
Genome position (GRCh38, 1-based): chr2:158,631,791, G>C. VCF-style: chr2-158631791-G-C. GRCh37 (hg19) VCF-style: chr2-159488303-G-C.
Other names: c.1192G>C, p.Gly398Arg (NM_001005476.4, NM_001304969.3, NM_001304971.2 and 6 more transcripts); c.166G>C, p.Gly56Arg (NM_001304970.3); c.1186G>C, p.Gly396Arg (NM_001377222.1, NM_001377223.1, NM_001377224.1); short protein forms G396R, G398R, G56R.
Identifiers: ClinVar variation 2448012 (VCV002448012.2), dbSNP rs1395750170, ClinGen allele CA348907768.

ClinVar aggregate classification (germline): Uncertain significance (1 of 4 stars; one submission).

Submission:

Ambry Genetics
Classification: Uncertain significance. Last evaluated: 2022-11-17. Review status: criteria provided, single submitter. Criteria: Ambry Variant Classification Scheme 2023. Collection method: clinical testing. Allele origin: germline.
Comment: The p.G398R variant (also known as c.1192G>C), located in coding exon 7 of the PKP4 gene, results from a G to C substitution at nucleotide position 1192. The glycine at codon 398 is replaced by arginine, an amino acid with dissimilar properties. This amino acid position is conserved. In addition, this alteration is predicted to be deleterious by in silico analysis. Since supporting evidence is limited at this time, the clinical significance of this alteration remains unclear.